The following is an entry in ClinVar:

NM_001370298.3(FGD4):c.2123C>T (p.Pro708Leu)

Gene: FGD4 (FYVE, RhoGEF and PH domain containing 4; plus strand). Cytogenetic location: 12p11.21.
Variant type: single nucleotide variant.
Coding change: c.2123C>T on transcript NM_001370298.3 (MANE Select); coding-DNA position 2123, C replaced by T.
Protein change: p.Pro708Leu; replaces proline 708 with leucine.
Molecular consequence: missense variant.
Genome position (GRCh38, 1-based): chr12:32,625,730, C>T. VCF-style: chr12-32625730-C-T. GRCh37 (hg19) VCF-style: chr12-32778664-C-T.
Other names: c.1967C>T, p.Pro656Leu (NM_001304481.2); c.968C>T, p.Pro323Leu (NM_001304483.2); c.680C>T, p.Pro227Leu (NM_001304484.2); c.1433C>T, p.Pro478Leu (NM_001330373.2, NM_001330374.2, NM_001384130.1); c.1160C>T, p.Pro387Leu (NM_001370297.1); c.2123C>T, p.Pro708Leu (NM_001384126.1); c.1712C>T, p.Pro571Leu (NM_001384127.1, NM_001384128.1, NM_001385118.1 and 1 more transcripts); short protein forms P227L, P323L, P387L, P478L, P571L, P656L, P708L.
Identifiers: ClinVar variation 1058641 (VCV001058641.6), dbSNP rs145071617, ClinGen allele CA6506990.
Genomic context (GRCh38, chr12:32,625,730, plus strand): 5'-AAAGAGCCCCAAGATGGATCCGAGATAATGAAGTGACAATGTGTATGAAATGTAAAGAAC[C>T]TTTCAATGCACTGACACGAAGGAGGCATCATTGTCGAGCATGTGGATATGTAAGTGAGAT-3'
Protein context (NP_001357227.2, residues 698-718): EVTMCMKCKE[Pro708Leu]FNALTRRRHH

ClinVar aggregate classification (germline): Uncertain significance (1 of 4 stars; one submission).

Conditions:
Charcot-Marie-Tooth disease type 4. Also called: Charcot-Marie-Tooth, Type 4; Charcot-Marie-Tooth disease, type IV. Identifiers: Orphanet 64749, MedGen C4082197, MONDO:0018995.

gnomAD v4.1: 2 of 1,613,630 alleles (0.00012%); highest among the groups gnomAD compares: African/African-American, 0.0013%; no homozygotes.

Submission:

Labcorp Genetics (formerly Invitae), Labcorp
Classification: Uncertain significance for Charcot-Marie-Tooth disease type 4. Last evaluated: 2021-08-24. Review status: criteria provided, single submitter. Criteria: Invitae Variant Classification Sherloc (09022015). Collection method: clinical testing. Allele origin: germline.
Comment: This sequence change replaces proline with leucine at codon 571 of the FGD4 protein (p.Pro571Leu). The proline residue is weakly conserved and there is a moderate physicochemical difference between proline and leucine. This variant is present in population databases (rs145071617, ExAC 0.01%). This variant has not been reported in the literature in individuals affected with FGD4-related conditions. Algorithms developed to predict the effect of missense changes on protein structure and function (SIFT, PolyPhen-2, Align-GVGD) all suggest that this variant is likely to be tolerated. In summary, the available evidence is currently insufficient to determine the role of this variant in disease. Therefore, it has been classified as a Variant of Uncertain Significance.